The following is an entry in ClinVar:

NM_014946.4(SPAST):c.*98A>G

Gene: SPAST (spastin; plus strand). Cytogenetic location: 2p22.3.
Variant type: single nucleotide variant.
Coding change: c.*98A>G on transcript NM_014946.4 (MANE Select); 98 bases downstream of the stop codon, A replaced by G.
Molecular consequence: 3 prime UTR variant.
Genome position (GRCh38, 1-based): chr2:32,154,594, A>G. VCF-style: chr2-32154594-A-G. GRCh37 (hg19) VCF-style: chr2-32379663-A-G.
Other names: c.*98A>G (NM_001363823.2, NM_001363875.2, NM_199436.2); c.*222A>G (NM_001377959.1).
Identifiers: ClinVar variation 335839 (VCV000335839.11), dbSNP rs56272862, ClinGen allele CA10615121.
Genomic context (GRCh38, chr2:32,154,594, plus strand): 5'-AAAGAGGAAACACAAGATCTTCAATGAACGTCATCGGCTACAGAAACAGCCTAAGTTTAC[A>G]GGACTTTTTAGAGTCTTACATATTTGTGCACCAAACTTGAAGATGAACCAGAAAACAGAC-3'

ClinVar aggregate classification (germline): Conflicting classifications of pathogenicity. Review status: criteria provided, conflicting classifications (1 of 4 stars). 3 submissions from 3 submitters: Uncertain significance (1); Benign (2). Last evaluated 2018-06-29.

Conditions:
Hereditary spastic paraplegia 4. Also called: Spastic paraplegia 4, autosomal dominant; Spastic Paraplegia 4; Familial spastic paraplegia autosomal dominant 2. Identifiers: Orphanet 100985, MedGen C1866855, MONDO:0008438, OMIM 182601.
Hereditary spastic paraplegia. Also called: Familial spastic paraparesis. Identifiers: Orphanet 685, MedGen C0037773, MONDO:0019064. Disease mechanism: loss of function.

Allele frequency attached by ClinVar (database versions not stated): 1000 Genomes Project 0.02157; 1000 Genomes Project 30x 0.02186; TOPMed 0.04141; gnomAD 0.04361 and 0.04503; gnomAD exomes 0.05936.

Submissions (3):

GeneDx
Classification: Benign. Last evaluated: 2018-06-29. Review status: criteria provided, single submitter. Criteria: GeneDx Variant Classification Process June 2021. Collection method: clinical testing. Allele origin: germline. Affected: yes.

Illumina Laboratory Services, Illumina
Classification: Benign for Hereditary spastic paraplegia 4. Last evaluated: 2018-01-13. Review status: criteria provided, single submitter. Criteria: ICSL Variant Classification Criteria 13 December 2019. Collection method: clinical testing. Allele origin: germline.
Comment: This variant was observed in the ICSL laboratory as part of a predisposition screen in an ostensibly healthy population. It had not been previously curated by ICSL or reported in the Human Gene Mutation Database (HGMD: prior to June 1st, 2018), and was therefore a candidate for classification through an automated scoring system. Utilizing variant allele frequency, disease prevalence and penetrance estimates, and inheritance mode, an automated score was calculated to assess if this variant is too frequent to cause the disease. Based on the score and internal cut-off values, a variant classified as benign is not then subjected to further curation. The score for this variant resulted in a classification of benign for this disease.

Genome Diagnostics Laboratory, The Hospital for Sick Children
Classification: Uncertain significance for Hereditary spastic paraplegia. Last evaluated: 2016-12-28. Review status: criteria provided, single submitter. Criteria: ACMG Guidelines, 2015. Collection method: clinical testing. Allele origin: germline. Affected: yes.